The following is an entry in ClinVar:

ClinVar aggregate classification (germline): Pathogenic. Review status: criteria provided, multiple submitters, no conflicts (2 of 4 stars). 6 submissions from 6 submitters: Pathogenic (5). 1 of the submissions does not count toward it. Last evaluated 2025-02-15.

Conditions:
Long chain 3-hydroxyacyl-CoA dehydrogenase deficiency. Also called: LCHAD Deficiency; Deficiency of long-chain 3-hydroxyacyl-coenzyme A dehydrogenase. Identifiers: Orphanet 5, MedGen C3711645, MONDO:0012173, OMIM 609016.
Mitochondrial trifunctional protein deficiency. Identifiers: Orphanet 746, MedGen C1969443, MONDO:0012172.

Submissions (6):

GeneDx
Classification: Pathogenic. Last evaluated: 2025-02-15. Review status: criteria provided, single submitter. Criteria: GeneDx Variant Classification Process June 2021. Collection method: clinical testing. Allele origin: germline. Affected: yes.
Comment: Identified with a second HADHA variant in patients with mitochondrial trifunctional protein deficiency in published literature (PMID: 21549624); Nonsense variant predicted to result in protein truncation or nonsense mediated decay in a gene for which loss of function is a known mechanism of disease; Not observed at significant frequency in large population cohorts (gnomAD); This variant is associated with the following publications: (PMID: 22459206, 21103935, Zhu_2020[Case_report], 7738175, 21549624, 10352164)

Natera, Inc.
Classification: Pathogenic for Deficiency of long-chain 3-hydroxyacyl-coenzyme A dehydrogenase. Last evaluated: 2024-09-26. Review status: criteria provided, single submitter. Criteria: Natera Variant Classification Schema (03/2026). Collection method: clinical testing. Allele origin: germline.
Comment: The c.1967delT variant in HADHA is a frameshift variant predicted to shift the reading frame and introduce a stop codon. This variant is expected to result in nonsense mediated decay, truncation, or a dysfunctional protein product. This variant is rare in the general population with a frequency below the threshold expected for the associated phenotype(s). This variant has been observed in one or more individuals affected with the associated recessive disease, as either homozygous or compound heterozygous with a second variant (PMID: 21549624). Given the available evidence, this variant is classified as Pathogenic.

Labcorp Genetics (formerly Invitae), Labcorp
Classification: Pathogenic for Mitochondrial trifunctional protein deficiency; Long chain 3-hydroxyacyl-CoA dehydrogenase deficiency. Last evaluated: 2024-03-03. Review status: criteria provided, single submitter. Criteria: Invitae Variant Classification Sherloc (09022015). Collection method: clinical testing. Allele origin: germline.
Comment: This sequence change creates a premature translational stop signal (p.Leu656*) in the HADHA gene. It is expected to result in an absent or disrupted protein product. Loss-of-function variants in HADHA are known to be pathogenic (PMID: 7738175, 21103935, 21549624, 22459206). This variant is present in population databases (rs779113356, gnomAD 0.0009%). This premature translational stop signal has been observed in individual(s) with long-chain 3-hydroxyacyl-CoA dehydrogenase deficiency or deficiency of mitochondrial trifunctional protein (PMID: 10352164, 21549624). This variant is also known as Leu620Ter. ClinVar contains an entry for this variant (Variation ID: 188712). Algorithms developed to predict the effect of sequence changes on RNA splicing suggest that this variant may disrupt the consensus splice site. For these reasons, this variant has been classified as Pathogenic.

Baylor Genetics
Classification: Pathogenic for Long chain 3-hydroxyacyl-CoA dehydrogenase deficiency. Last evaluated: 2023-08-21. Review status: criteria provided, single submitter. Criteria: ACMG Guidelines, 2015. Collection method: clinical testing. Allele origin: unknown.

Women's Health and Genetics/Laboratory Corporation of America, LabCorp
Classification: Pathogenic for Long chain 3-hydroxyacyl-CoA dehydrogenase deficiency. Last evaluated: 2017-05-22. Review status: criteria provided, single submitter. Criteria: LabCorp Variant Classification Summary - May 2015. Collection method: clinical testing. Allele origin: germline.
Comment: Variant summary: The HADHA c.1967delT (p.Leu656X) variant results in a premature termination codon, predicted to cause a truncated or absent HADHA protein due to nonsense mediated decay, which are commonly known mechanisms for disease. One in silico tool predicts a damaging outcome for this variant. This variant was found in 1/121390 control chromosomes at a frequency of 0.0000082, which does not exceed the estimated maximal expected allele frequency of a pathogenic HADHA variant (0.0019365). This variant has been reported in multiple patients as compound heterozygotes (Ibdah_!999 and Boutron_2011). One of patients showed 26% of residual LCHAD activity relative to the controls mean in fibroblasts and 2% of residual LKAT activity relative to the controls mean (Boutron_2011). In addition, multiple clinical diagnostic laboratories/reputable databases classified this variant as pathogenic/likely pathogenic. Taken together, this variant is classified as pathogenic.

Counsyl
Classification: Likely pathogenic for Long-chain 3-hydroxyacyl-CoA dehydrogenase deficiency. Last evaluated: 2014-03-04. Review status: no assertion criteria provided. Collection method: literature only. Allele origin: unknown. Inheritance: Autosomal recessive inheritance. Not counted in ClinVar's aggregate classification.

Literature cited by the submitters: PubMed 21549624 (cited by 4 submitters); PubMed 7738175 (cited by Labcorp Genetics (formerly Invitae), Labcorp); PubMed 21103935 (cited by Labcorp Genetics (formerly Invitae), Labcorp); PubMed 22459206 (cited by Labcorp Genetics (formerly Invitae), Labcorp); PubMed 10352164 (cited by Labcorp Genetics (formerly Invitae), Labcorp and Counsyl).

NM_000182.5(HADHA):c.1967del (p.Ile655_Leu656insTer)

Genes: GAREM2 (GRB2 associated regulator of MAPK1 subtype 2; plus strand), HADHA (hydroxyacyl-CoA dehydrogenase trifunctional multienzyme complex subunit alpha; minus strand). Cytogenetic location: 2p23.3.
Variant type: Deletion.
Coding change: c.1967del on transcript NM_000182.5 (MANE Select); coding-DNA position 1967, one base deleted (T; older notation c.1967delT).
Protein change: p.Ile655_Leu656insTer.
Molecular consequence: nonsense.
Genome position (GRCh38, 1-based): chr2:26,192,343, A deleted on the plus strand (T on the coding strand, the reverse complement: HADHA is on the minus strand); the first of 4 consecutive A bases (chr2:26,192,343-26,192,346); deleting any one gives the same sequence. VCF-style (leftmost placement, unchanged base first): chr2-26192342-TA-T. GRCh37 (hg19) VCF-style: chr2-26415211-TA-T.
Other names: c.1967del (NM_000182.4).
Identifiers: ClinVar variation 188712 (VCV000188712.15), dbSNP rs779113356, ClinGen allele CA199043.